The following is an entry in ClinVar:

NM_000101.4(CYBA):c.371C>G (p.Ala124Gly)

Gene: CYBA (cytochrome b-245 alpha chain; minus strand). Cytogenetic location: 16q24.2.
Variant type: single nucleotide variant.
Coding change: c.371C>G on transcript NM_000101.4 (MANE Select); coding-DNA position 371, C replaced by G.
Protein change: p.Ala124Gly; replaces alanine 124 with glycine.
Molecular consequence: missense variant.
Genome position (GRCh38, 1-based): chr16:88,643,570, G>C on the plus strand (C>G on the coding strand, the complement: CYBA is on the minus strand). VCF-style: chr16-88643570-G-C. GRCh37 (hg19) VCF-style: chr16-88709978-G-C.
Other names: short protein forms A124G.
Identifiers: ClinVar variation 3339270 (VCV003339270.1).
Genomic context (GRCh38, chr16:88,643,570, plus strand): 5'-ATCTGCGGCCGCTCCCGGGGCTTGGGCTCGATGGGCGTCCACTGCTCGCCACGCACAGCC[G>C]CCTGCGGGGCACTGAAGGGTTGAGCCGCGCCCCAGCGCCCGCCCTCCCTCCCTCCCTCCC-3'
Protein context (NP_000092.2, residues 114-134): LAIASGIYLL[Ala124Gly]AVRGEQWTPI

ClinVar aggregate classification (germline): Uncertain significance (1 of 4 stars; one submission).

Submission:

Women's Health and Genetics/Laboratory Corporation of America, LabCorp
Classification: Uncertain significance. Last evaluated: 2024-07-29. Review status: criteria provided, single submitter. Criteria: LabCorp Variant Classification Summary - May 2015. Collection method: clinical testing. Allele origin: germline.
Comment: Variant summary: CYBA c.371C>G (p.Ala124Gly) results in a non-conservative amino acid change in the encoded protein sequence. Five of five in-silico tools predict a damaging effect of the variant on protein function. Consensus agreement among computation tools predict no significant impact on normal splicing. However, these predictions have yet to be confirmed by functional studies. The variant was absent in 129404 control chromosomes (gnomAD). The available data on variant occurrences in the general population are insufficient to allow any conclusion about variant significance. To our knowledge, no occurrence of c.371C>G in individuals affected with Chronic Granulomatous Disease and no experimental evidence demonstrating its impact on protein function have been reported. No submitters have cited clinical-significance assessments for this variant to ClinVar. However, another variant at the same codon, p.Ala124Val, has been classified as pathogenic/likely pathogenic by our lab and other ClinVar submitters (Variation ID: 68212). Based on the evidence outlined above, the variant was classified as uncertain significance.